The following is an entry in ClinVar:

ClinVar aggregate classification (germline): Uncertain significance. Review status: criteria provided, multiple submitters, no conflicts (2 of 4 stars). 2 submissions from 2 submitters: Uncertain significance (2). Last evaluated 2025-05-01.

Conditions:
Epileptic encephalopathy. Identifiers: MedGen C0543888, HP:0200134.

Allele frequency attached by ClinVar (database versions not stated): gnomAD 0.00001; TOPMed 0.00002.
gnomAD v4.1: 21 of 1,612,634 alleles (0.0013%); highest among the groups gnomAD compares: Admixed American, 0.0017%; no homozygotes.

Submissions (2):

Ambry Genetics
Classification: Uncertain significance. Last evaluated: 2025-05-01. Review status: criteria provided, single submitter. Criteria: Ambry Variant Classification Scheme 2023. Collection method: clinical testing. Allele origin: germline.

Labcorp Genetics (formerly Invitae), Labcorp
Classification: Uncertain significance for Epileptic encephalopathy. Last evaluated: 2022-04-18. Review status: criteria provided, single submitter. Criteria: Invitae Variant Classification Sherloc (09022015). Collection method: clinical testing. Allele origin: germline.
Comment: In summary, the available evidence is currently insufficient to determine the role of this variant in disease. Therefore, it has been classified as a Variant of Uncertain Significance. Algorithms developed to predict the effect of missense changes on protein structure and function output the following: SIFT: "Tolerated"; PolyPhen-2: "Benign"; Align-GVGD: "Class C0". The cysteine amino acid residue is found in multiple mammalian species, which suggests that this missense change does not adversely affect protein function. This variant has not been reported in the literature in individuals affected with FASN-related conditions. This variant is present in population databases (rs754621431, gnomAD 0.009%). This sequence change replaces arginine, which is basic and polar, with cysteine, which is neutral and slightly polar, at codon 942 of the FASN protein (p.Arg942Cys).

NM_004104.5(FASN):c.2824C>T (p.Arg942Cys)

Gene: FASN (fatty acid synthase; minus strand). Cytogenetic location: 17q25.3.
Variant type: single nucleotide variant.
Coding change: c.2824C>T on transcript NM_004104.5 (MANE Select); coding-DNA position 2824, C replaced by T.
Protein change: p.Arg942Cys; replaces arginine 942 with cysteine.
Molecular consequence: missense variant.
Genome position (GRCh38, 1-based): chr17:82,087,996, G>A on the plus strand (C>T on the coding strand, the complement: FASN is on the minus strand). VCF-style: chr17-82087996-G-A. GRCh37 (hg19) VCF-style: chr17-80045872-G-A.
Other names: c.2824C>T (NM_004104.4); short protein forms R942C.
Identifiers: ClinVar variation 1408559 (VCV001408559.9), dbSNP rs754621431, ClinGen allele CA8852631.